The following is an entry in ClinVar:

ClinVar aggregate classification (germline): Benign. Review status: criteria provided, multiple submitters, no conflicts (2 of 4 stars). 2 submissions from 2 submitters: Benign (2). Last evaluated 2018-06-19.

Allele frequency attached by ClinVar (database versions not stated): TOPMed 0.81639; gnomAD 0.81838 and 0.82326; gnomAD exomes 0.84561; 1000 Genomes Project 30x 0.85650; 1000 Genomes Project 0.86342.
gnomAD v4.1: 509,146 of 606,470 alleles (84%); highest among the groups gnomAD compares: East Asian, 96%; 214,653 homozygotes.

Submissions (2):

GeneDx
Classification: Benign. Last evaluated: 2018-06-19. Review status: criteria provided, single submitter. Criteria: GeneDx Variant Classification (06012015). Collection method: clinical testing. Allele origin: germline. Affected: yes.
Comment: This variant is considered likely benign or benign based on one or more of the following criteria: it is a conservative change, it occurs at a poorly conserved position in the protein, it is predicted to be benign by multiple in silico algorithms, and/or has population frequency not consistent with disease.

Breakthrough Genomics
Classification: Benign. Review status: criteria provided, single submitter. Criteria: ACMG Guidelines, 2015. Collection method: not provided. Allele origin: germline. Inheritance: Autosomal recessive inheritance. Affected: yes.

NM_000274.4(OAT):c.1015-150C>T

Gene: OAT (ornithine aminotransferase; minus strand). Cytogenetic location: 10q26.13.
Variant type: single nucleotide variant.
Coding change: c.1015-150C>T on transcript NM_000274.4 (MANE Select); 150 bases into the intron before coding-DNA position 1015, C replaced by T.
Molecular consequence: intron variant.
Genome position (GRCh38, 1-based): chr10:124,401,134, G>A on the plus strand (C>T on the coding strand, the complement: OAT is on the minus strand). VCF-style: chr10-124401134-G-A. GRCh37 (hg19) VCF-style: chr10-126089703-G-A.
Other names: c.1015-150C>T (NM_001322965.2, NM_001322969.2, NM_001322966.2 and 3 more transcripts); c.601-150C>T (NM_001171814.2); c.415-150C>T (NM_001322974.2); c.694-150C>T (NM_001322971.2).
Identifiers: ClinVar variation 683255 (VCV000683255.2), dbSNP rs2491158, ClinGen allele CA15635926.
Genomic context (GRCh38, chr10:124,401,134, plus strand): 5'-TGACTAGATAAAATACCAGAGGAACTTAACTTTCATTGCTATTTTTCAAAGCCTGTATTA[G>A]TTTCTAATTAAACATACACTAGCTCAGAGTCTTGCTTTCATCACAAATCTATTGCCAATC-3'